The following is an entry in ClinVar:

ClinVar aggregate classification (germline): Uncertain significance (1 of 4 stars; one submission).

gnomAD v4.1: 12 of 1,613,782 alleles (0.00074%); highest among the groups gnomAD compares: Non-Finnish European, 0.00093%; no homozygotes.

Submission:

Labcorp Genetics (formerly Invitae), Labcorp
Classification: Uncertain significance. Last evaluated: 2024-11-13. Review status: criteria provided, single submitter. Criteria: Invitae Variant Classification Sherloc (09022015). Collection method: clinical testing. Allele origin: germline.
Comment: This sequence change replaces glutamine, which is neutral and polar, with glutamic acid, which is acidic and polar, at codon 239 of the FOCAD protein (p.Gln239Glu). This variant is present in population databases (no rsID available, gnomAD 0.002%). This variant has not been reported in the literature in individuals affected with FOCAD-related conditions. An algorithm developed to predict the effect of missense changes on protein structure and function outputs the following: PolyPhen-2: "Not Available". The glutamic acid amino acid residue is found in multiple mammalian species, which suggests that this missense change does not adversely affect protein function. In summary, the available evidence is currently insufficient to determine the role of this variant in disease. Therefore, it has been classified as a Variant of Uncertain Significance.

NM_001375567.1(FOCAD):c.715C>G (p.Gln239Glu)

Gene: FOCAD (focadhesin; plus strand). Cytogenetic location: 9p21.3.
Variant type: single nucleotide variant.
Coding change: c.715C>G on transcript NM_001375567.1 (MANE Select); coding-DNA position 715, C replaced by G.
Protein change: p.Gln239Glu; replaces glutamine 239 with glutamic acid.
Molecular consequence: missense variant.
Genome position (GRCh38, 1-based): chr9:20,770,047, C>G. VCF-style: chr9-20770047-C-G. GRCh37 (hg19) VCF-style: chr9-20770046-C-G.
Other names: c.715C>G, p.Gln239Glu (NM_001375568.1, NM_017794.5); c.610C>G, p.Gln204Glu (NM_001375570.1); short protein forms Q239E, Q204E.
Identifiers: ClinVar variation 3632048 (VCV003632048.2).